The following is an entry in ClinVar:

NC_000001.10:g.(11074023_11076900)_(11085550_?)dup

Gene: TARDBP (TAR DNA binding protein; plus strand). Cytogenetic location: 1p36.22.
Variant type: Duplication.
Identifiers: ClinVar variation 3366764 (VCV003366764.1).

ClinVar aggregate classification (germline): Uncertain significance (1 of 4 stars; one submission).

Submission:

Women's Health and Genetics/Laboratory Corporation of America, LabCorp
Classification: Uncertain significance. Last evaluated: 2024-08-16. Review status: criteria provided, single submitter. Criteria: LabCorp Variant Classification Summary - May 2015. Collection method: clinical testing. Allele origin: germline.
Comment: Variant summary: The variant involves the duplication of exons 3-6 in the TARDBP gene. A presumed nomenclature of c.(238+1_239-1)_(*2839_?)dup has been designated for the purposes of this classification. The exact breakpoint at the 3' end of this variant is unknown, therefore this duplication may extend downstream of the annotated region of the gene. As it duplicates the termination codon, its effect on the encoded protein is unknown. The variant was absent in 21694 control chromosomes. The available data on variant occurrences in the general population are insufficient to allow any conclusion about variant significance. To our knowledge, no occurrence of c.(238+1_239-1)_(*2839_?)dup in individuals affected with Amyotrophic Lateral Sclerosis Type 10 and no experimental evidence demonstrating its impact on protein function have been reported. No submitters have cited clinical-significance assessments for this variant to ClinVar. Based on the evidence outlined above, the variant was classified as uncertain significance.